The following is an entry in ClinVar:

NM_024422.6(DSC2):c.187C>T (p.Leu63=)

Gene: DSC2 (desmocollin 2; minus strand). Cytogenetic location: 18q12.1.
Variant type: single nucleotide variant.
Coding change: c.187C>T on transcript NM_024422.6 (MANE Select); coding-DNA position 187, C replaced by T.
Protein change: p.Leu63=; no amino-acid change (leucine 63 retained).
Molecular consequence: synonymous variant.
Genome position (GRCh38, 1-based): chr18:31,092,268, G>A on the plus strand (C>T on the coding strand, the complement: DSC2 is on the minus strand). VCF-style: chr18-31092268-G-A. GRCh37 (hg19) VCF-style: chr18-28672231-G-A.
Other names: c.187C>T, p.Leu63= (NM_004949.5).
Identifiers: ClinVar variation 924388 (VCV000924388.5), dbSNP rs1987628241, ClinGen allele CA503391039.

ClinVar aggregate classification (germline): Likely benign. Review status: criteria provided, multiple submitters, no conflicts (2 of 4 stars). 3 submissions from 3 submitters: Likely benign (3). Last evaluated 2024-09-02.

Conditions:
Cardiomyopathy (CMYO). Also called: Cardiomyopathies. Identifiers: Orphanet 167848, MedGen C0878544, MONDO:0004994, HP:0001638. Inheritance: Various modes of inheritance.
Familial isolated arrhythmogenic right ventricular dysplasia. Identifiers: Orphanet 217656, MedGen C4274968, MONDO:0016342.
Arrhythmogenic right ventricular dysplasia 11. Also called: ARRHYTHMOGENIC RIGHT VENTRICULAR DYSPLASIA, FAMILIAL, 11; Arrhythmogenic Right Ventricular Dysplasia/Cardiomyopathy11; Arrhythmogenic right ventricular dysplasia 11 with mild palmoplantar keratoderma and woolly hair. Identifiers: MedGen C1864850, MONDO:0012506, OMIM 610476.

Submissions (3):

Labcorp Genetics (formerly Invitae), Labcorp
Classification: Likely benign for Arrhythmogenic right ventricular dysplasia 11. Last evaluated: 2024-09-02. Review status: criteria provided, single submitter. Criteria: Invitae Variant Classification Sherloc (09022015). Collection method: clinical testing. Allele origin: germline.

All of Us Research Program, National Institutes of Health
Classification: Likely benign for Familial isolated arrhythmogenic right ventricular dysplasia. Last evaluated: 2023-06-28. Review status: criteria provided, single submitter. Criteria: ACMG Guidelines, 2015. Collection method: clinical testing. Allele origin: germline. Inheritance: Autosomal dominant inheritance. Observed: 1 variant allele, 1 heterozygote.
Comment: This study involves interpretation of variants in research participants for the purpose of population health screening. Participant phenotype was not available at the time of variant classification. Additional details can be found in publication PMID: 35346344, PMCID: PMC8962531

Color Diagnostics, LLC DBA Color Health
Classification: Likely benign for Cardiomyopathy. Last evaluated: 2019-11-13. Review status: criteria provided, single submitter. Criteria: ACMG Guidelines, 2015. Collection method: clinical testing. Allele origin: germline.